The following is an entry in ClinVar:

NM_005120.3(MED12):c.1190T>G (p.Leu397Trp)

Gene: MED12 (mediator complex subunit 12; plus strand). Cytogenetic location: Xq13.1.
Variant type: single nucleotide variant.
Coding change: c.1190T>G on transcript NM_005120.3 (MANE Select); coding-DNA position 1190, T replaced by G.
Protein change: p.Leu397Trp; replaces leucine 397 with tryptophan.
Molecular consequence: missense variant.
Genome position (GRCh38, 1-based): chrX:71,122,288, T>G. VCF-style: chrX-71122288-T-G. GRCh37 (hg19) VCF-style: chrX-70342138-T-G.
Other names: short protein forms L397W.
Identifiers: ClinVar variation 3777430 (VCV003777430.1).

ClinVar aggregate classification (germline): Uncertain significance (1 of 4 stars; one submission).

Submission:

GeneDx
Classification: Uncertain significance. Last evaluated: 2024-10-13. Review status: criteria provided, single submitter. Criteria: GeneDx Variant Classification Process June 2021. Collection method: clinical testing. Allele origin: germline. Affected: yes.
Comment: Not observed at significant frequency in large population cohorts (gnomAD); In silico analysis supports that this missense variant has a deleterious effect on protein structure/function; Has not been previously published as pathogenic or benign to our knowledge